The following is an entry in ClinVar:

ClinVar aggregate classification (germline): Uncertain significance. Review status: criteria provided, multiple submitters, no conflicts (2 of 4 stars). 2 submissions from 2 submitters: Uncertain significance (2). Last evaluated 2024-12-23.

Conditions:
Inborn genetic diseases. Identifiers: MedGen C0950123, MeSH D030342.

gnomAD v4.1: 1 of 1,614,116 alleles (0.000062%); highest among the groups gnomAD compares: East Asian, 0.0022%; no homozygotes.

Submissions (2):

Ambry Genetics
Classification: Uncertain significance for Inborn genetic diseases. Last evaluated: 2024-12-23. Review status: criteria provided, single submitter. Criteria: Ambry Variant Classification Scheme 2023. Collection method: clinical testing. Allele origin: germline.
Comment: The p.I176T variant (also known as c.527T>C), located in coding exon 6 of the DDX41 gene, results from a T to C substitution at nucleotide position 527. The isoleucine at codon 176 is replaced by threonine, an amino acid with similar properties. This variant was reported in individual(s) with features consistent with DDX41-related hematologic malignancy predisposition syndrome; however, germline origin was not confirmed (S&eacute;bert M et al. Blood, 2019 Oct;134:1441-1444; Tierens A et al. Front Oncol, 2023 Jun;13:1153082; Badar T et al. Haematologica, 2023 Nov;108:3033-3043). This amino acid position is highly conserved in available vertebrate species. In addition, the in silico prediction for this alteration is inconclusive. Based on the available evidence, the clinical significance of this variant remains unclear.

Blueprint Genetics
Classification: Uncertain significance. Last evaluated: 2019-12-10. Review status: criteria provided, single submitter. Criteria: ACMG Guidelines, 2015. Collection method: clinical testing. Allele origin: germline.

Literature cited by the submitters: PubMed 31484648 (cited by Ambry Genetics); PubMed 37199125 (cited by Ambry Genetics); PubMed 37434984 (cited by Ambry Genetics).

NM_016222.4(DDX41):c.527T>C (p.Ile176Thr)

Gene: DDX41 (DEAD-box helicase 41; minus strand). Cytogenetic location: 5q35.3.
Variant type: single nucleotide variant.
Coding change: c.527T>C on transcript NM_016222.4 (MANE Select); coding-DNA position 527, T replaced by C.
Protein change: p.Ile176Thr; replaces isoleucine 176 with threonine.
Molecular consequence: missense variant.
Genome position (GRCh38, 1-based): chr5:177,515,729, A>G on the plus strand (T>C on the coding strand, the complement: DDX41 is on the minus strand). VCF-style: chr5-177515729-A-G. GRCh37 (hg19) VCF-style: chr5-176942730-A-G.
Other names: c.149T>C, p.Ile50Thr (NM_001321732.2, NM_001321830.2); short protein forms I176T, I50T.
Identifiers: ClinVar variation 3838908 (VCV003838908.2).
Genomic context (GRCh38, chr5:177,515,729, plus strand): 5'-TCCAGCCCCTGACTACCTGCAGGAAACTTCATTTCCTTGAAGCTCTTGATGGGTGGTGGG[A>G]TACCGTCTCCCTCCACCAGGATGTGGTATTTCTTCCGCACGCGCTCATGTCGCTCTTCAG-3'
Protein context (NP_057306.2, residues 166-186): KYHILVEGDG[Ile176Thr]PPPIKSFKEM